The following is an entry in ClinVar:

ClinVar aggregate classification (germline): Conflicting classifications of pathogenicity. Review status: criteria provided, conflicting classifications (1 of 4 stars). 3 submissions from 3 submitters: Uncertain significance (2); Likely benign (1). Last evaluated 2025-09-10.

Conditions:
SLX4-related disorder. Also called: SLX4-related condition.
Inborn genetic diseases. Identifiers: MedGen C0950123, MeSH D030342.
Fanconi anemia (FA). Also called: Fanconi's anemia. Identifiers: Orphanet 84, MedGen C0015625, MeSH D005199, MONDO:0019391.

Allele frequency attached by ClinVar (database versions not stated): gnomAD exomes 0.00004; ExAC 0.00007; TOPMed 0.00014; ESP Exome Variant Server 0.00015; gnomAD 0.00015 and 0.00016; 1000 Genomes Project 30x 0.00016; 1000 Genomes Project 0.00020.
gnomAD v4.1: 78 of 1,613,832 alleles (0.0048%); highest among the groups gnomAD compares: African/African-American, 0.051%; no homozygotes.

Submissions (3):

Ambry Genetics
Classification: Likely benign for Inborn genetic diseases. Last evaluated: 2025-09-10. Review status: criteria provided, single submitter. Criteria: Ambry Variant Classification Scheme 2023. Collection method: clinical testing. Allele origin: germline.

Labcorp Genetics (formerly Invitae), Labcorp
Classification: Uncertain significance for Fanconi anemia. Last evaluated: 2024-10-23. Review status: criteria provided, single submitter. Criteria: Invitae Variant Classification Sherloc (09022015). Collection method: clinical testing. Allele origin: germline.
Comment: This sequence change replaces arginine, which is basic and polar, with cysteine, which is neutral and slightly polar, at codon 1345 of the SLX4 protein (p.Arg1345Cys). This variant is present in population databases (rs200310925, gnomAD 0.05%). This variant has not been reported in the literature in individuals affected with SLX4-related conditions. ClinVar contains an entry for this variant (Variation ID: 526385). An algorithm developed to predict the effect of missense changes on protein structure and function outputs the following: PolyPhen-2: "Benign". The cysteine amino acid residue is found in multiple mammalian species, which suggests that this missense change does not adversely affect protein function. In summary, the available evidence is currently insufficient to determine the role of this variant in disease. Therefore, it has been classified as a Variant of Uncertain Significance.

PreventionGenetics, part of Exact Sciences
Classification: Uncertain significance for SLX4-related condition. Last evaluated: 2023-04-17. Review status: criteria provided, single submitter. Criteria: ACMG Guidelines, 2015. Collection method: clinical testing. Allele origin: germline.
Comment: The SLX4 c.4033C>T variant is predicted to result in the amino acid substitution p.Arg1345Cys. To our knowledge, this variant has not been reported in the literature. This variant is reported in 0.044% of alleles in individuals of African descent in gnomAD. At this time, the clinical significance of this variant is uncertain due to the absence of conclusive functional and genetic evidence.

NM_032444.4(SLX4):c.4033C>T (p.Arg1345Cys)

Gene: SLX4 (SLX4 structure-specific endonuclease subunit; minus strand). Cytogenetic location: 16p13.3.
Variant type: single nucleotide variant.
Coding change: c.4033C>T on transcript NM_032444.4 (MANE Select); coding-DNA position 4033, C replaced by T.
Protein change: p.Arg1345Cys; replaces arginine 1345 with cysteine.
Molecular consequence: missense variant.
Genome position (GRCh38, 1-based): chr16:3,589,605, G>A on the plus strand (C>T on the coding strand, the complement: SLX4 is on the minus strand). VCF-style: chr16-3589605-G-A. GRCh37 (hg19) VCF-style: chr16-3639606-G-A.
Other names: c.4033C>T (NM_032444.3, LRG_503t1); short protein forms R1345C.
Identifiers: ClinVar variation 526385 (VCV000526385.7), dbSNP rs200310925, ClinGen allele CA7865757.